The following is an entry in ClinVar:

NM_012418.4(FSCN2):c.138G>C (p.Trp46Cys)

Gene: FSCN2 (fascin actin-bundling protein 2, retinal; plus strand). Cytogenetic location: 17q25.3.
Variant type: single nucleotide variant.
Coding change: c.138G>C on transcript NM_012418.4 (MANE Select); coding-DNA position 138, G replaced by C.
Protein change: p.Trp46Cys; replaces tryptophan 46 with cysteine.
Molecular consequence: missense variant.
Genome position (GRCh38, 1-based): chr17:81,528,669, G>C. VCF-style: chr17-81528669-G-C. GRCh37 (hg19) VCF-style: chr17-79495695-G-C.
Other names: c.138G>C, p.Trp46Cys (NM_001077182.3); short protein forms W46C.
Identifiers: ClinVar variation 2757069 (VCV002757069.3), dbSNP rs376138127, ClinGen allele CA401469893.

ClinVar aggregate classification (germline): Uncertain significance (1 of 4 stars; one submission).

Submission:

Labcorp Genetics (formerly Invitae), Labcorp
Classification: Uncertain significance. Last evaluated: 2023-08-31. Review status: criteria provided, single submitter. Criteria: Invitae Variant Classification Sherloc (09022015). Collection method: clinical testing. Allele origin: germline.
Comment: This variant has not been reported in the literature in individuals affected with FSCN2-related conditions. This sequence change replaces tryptophan, which is neutral and slightly polar, with cysteine, which is neutral and slightly polar, at codon 46 of the FSCN2 protein (p.Trp46Cys). This variant is not present in population databases (gnomAD no frequency). An algorithm developed to predict the effect of missense changes on protein structure and function (PolyPhen-2) suggests that this variant is likely to be disruptive. In summary, the available evidence is currently insufficient to determine the role of this variant in disease. Therefore, it has been classified as a Variant of Uncertain Significance.